The following is an entry in ClinVar:

NM_001370466.1(NOD2):c.1709C>T (p.Ala570Val)

Gene: NOD2 (nucleotide binding oligomerization domain containing 2; plus strand). Cytogenetic location: 16q12.1.
Variant type: single nucleotide variant.
Coding change: c.1709C>T on transcript NM_001370466.1 (MANE Select); coding-DNA position 1709, C replaced by T.
Protein change: p.Ala570Val; replaces alanine 570 with valine.
Molecular consequence: missense variant. On other transcripts: non-coding transcript variant (1).
Genome position (GRCh38, 1-based): chr16:50,711,701, C>T. VCF-style: chr16-50711701-C-T. GRCh37 (hg19) VCF-style: chr16-50745612-C-T.
Other names: c.1709C>T, p.Ala570Val (NM_001293557.2); c.1790C>T, p.Ala597Val (NM_022162.3); short protein forms A597V, A570V.
Identifiers: ClinVar variation 1391926 (VCV001391926.14), dbSNP rs377554134, ClinGen allele CA8051626.

ClinVar aggregate classification (germline): Conflicting classifications of pathogenicity. Review status: criteria provided, conflicting classifications (1 of 4 stars). 4 submissions from 4 submitters: Uncertain significance (3); Likely benign (1). Last evaluated 2026-01-11.

Conditions:
Autoinflammatory syndrome. Identifiers: Orphanet 93665, MedGen C3890737, MONDO:0019751.
Blau syndrome (BLAUS). Also called: GRANULOMATOSIS, FAMILIAL JUVENILE SYSTEMIC; GRANULOMATOSIS, FAMILIAL, BLAU TYPE; GRANULOMATOUS INFLAMMATORY ARTHRITIS, DERMATITIS, AND UVEITIS, FAMILIAL; JABS SYNDROME; ARTHROCUTANEOUVEAL GRANULOMATOSIS. Identifiers: Orphanet 90340, MedGen C5201146, MONDO:0008523, OMIM 186580.
Inflammatory bowel disease 1 (IBD1). Also called: INFLAMMATORY BOWEL DISEASE (CROHN DISEASE) 1; Inflammatory bowel disease 1, Crohn disease. Identifiers: MedGen CN260071, MONDO:0009960, OMIM 266600.
Regional enteritis. Also called: Enteritis, Granulomatous. Identifiers: MedGen C0678202, MeSH D003424.

Allele frequency attached by ClinVar (database versions not stated): ExAC 0.00005; gnomAD exomes 0.00005 and 0.00010; ESP Exome Variant Server 0.00008; TOPMed 0.00009; gnomAD 0.00010 and 0.00011.
gnomAD v4.1: 162 of 1,613,836 alleles (0.01%); highest among the groups gnomAD compares: Non-Finnish European, 0.013%; no homozygotes.

Submissions (4):

Labcorp Genetics (formerly Invitae), Labcorp
Classification: Uncertain significance for Regional enteritis; Blau syndrome. Last evaluated: 2026-01-11. Review status: criteria provided, single submitter. Criteria: Invitae Variant Classification Sherloc (09022015). Collection method: clinical testing. Allele origin: germline.
Comment: This sequence change replaces alanine, which is neutral and non-polar, with valine, which is neutral and non-polar, at codon 597 of the NOD2 protein (p.Ala597Val). This variant is present in population databases (rs377554134, gnomAD 0.01%). This variant has not been reported in the literature in individuals affected with NOD2-related conditions. ClinVar contains an entry for this variant (Variation ID: 1391926). Invitae Evidence Modeling of protein sequence and biophysical properties (such as structural, functional, and spatial information, amino acid conservation, physicochemical variation, residue mobility, and thermodynamic stability) indicates that this missense variant is not expected to disrupt NOD2 protein function with a negative predictive value of 95%. In summary, the available evidence is currently insufficient to determine the role of this variant in disease. Therefore, it has been classified as a Variant of Uncertain Significance.

Women's Health and Genetics/Laboratory Corporation of America, LabCorp
Classification: Likely benign. Last evaluated: 2025-10-28. Review status: criteria provided, single submitter. Criteria: LabCorp Variant Classification Summary - May 2015. Collection method: clinical testing. Allele origin: germline.
Comment: Variant summary: NOD2 c.1790C>T (p.Ala597Val) results in a non-conservative amino acid change in the encoded protein sequence. Algorithms developed to predict the effect of missense changes on protein structure and function are either unavailable or do not agree on the potential impact of this missense change. The variant allele was found at a frequency of 0.0001 in 1606850 control chromosomes, predominantly at a frequency of 0.00013 within the Non-Finnish European subpopulation in the gnomAD database. The observed variant frequency within Non-Finnish European control individuals in the gnomAD database exceeds the estimated maximal expected allele frequency for disease-causing variants in NOD2. To our knowledge, no occurrence of c.1790C>T in individuals affected with NOD2-related conditions and no experimental evidence demonstrating its impact on protein function have been reported. ClinVar contains an entry for this variant (Variation ID: 1391926). Based on the evidence outlined above, the variant was classified as likely benign.

Genome Diagnostics Laboratory, The Hospital for Sick Children
Classification: Uncertain significance for Autoinflammatory syndrome. Last evaluated: 2021-07-20. Review status: criteria provided, single submitter. Criteria: ACMG Guidelines, 2015. Collection method: clinical testing. Allele origin: germline. Affected: yes.

Breakthrough Genomics
Classification: Uncertain significance. Review status: criteria provided, single submitter. Criteria: ACMG Guidelines, 2015. Collection method: not provided. Allele origin: germline. Inheritance: Autosomal dominant inheritance. Affected: yes.